The following is an entry in ClinVar:

ClinVar aggregate classification (germline): Uncertain significance (1 of 4 stars; one submission).

Submission:

Labcorp Genetics (formerly Invitae), Labcorp
Classification: Uncertain significance. Last evaluated: 2024-04-24. Review status: criteria provided, single submitter. Criteria: Invitae Variant Classification Sherloc (09022015). Collection method: clinical testing. Allele origin: germline.
Comment: This sequence change replaces glycine, which is neutral and non-polar, with glutamic acid, which is acidic and polar, at codon 229 of the SIAE protein (p.Gly229Glu). This variant is not present in population databases (gnomAD no frequency). This variant has not been reported in the literature in individuals affected with SIAE-related conditions. Algorithms developed to predict the effect of missense changes on protein structure and function output the following: SIFT: "Not Available"; PolyPhen-2: "Benign"; Align-GVGD: "Not Available". The glutamic acid amino acid residue is found in multiple mammalian species, which suggests that this missense change does not adversely affect protein function. In summary, the available evidence is currently insufficient to determine the role of this variant in disease. Therefore, it has been classified as a Variant of Uncertain Significance.

NM_170601.5(SIAE):c.686G>A (p.Gly229Glu)

Gene: SIAE (sialic acid acetylesterase; minus strand). Cytogenetic location: 11q24.2.
Variant type: single nucleotide variant.
Coding change: c.686G>A on transcript NM_170601.5 (MANE Select); coding-DNA position 686, G replaced by A.
Protein change: p.Gly229Glu; replaces glycine 229 with glutamic acid.
Molecular consequence: missense variant.
Genome position (GRCh38, 1-based): chr11:124,649,655, C>T on the plus strand (G>A on the coding strand, the complement: SIAE is on the minus strand). VCF-style: chr11-124649655-C-T. GRCh37 (hg19) VCF-style: chr11-124519551-C-T.
Other names: c.581G>A, p.Gly194Glu (NM_001199922.2); short protein forms G194E, G229E.
Identifiers: ClinVar variation 3696956 (VCV003696956.2).